The following is an entry in ClinVar:

ClinVar aggregate classification (germline): Uncertain significance (1 of 4 stars; one submission).

Conditions:
Dilated cardiomyopathy 1G (CMD1G). Identifiers: Orphanet 154, MedGen C1858763, MONDO:0011400, OMIM 604145.
Autosomal recessive limb-girdle muscular dystrophy type 2J (LGMDR10). Also called: Limb-girdle muscular dystrophy, type 2J; MUSCULAR DYSTROPHY, LIMB-GIRDLE, AUTOSOMAL RECESSIVE 10. Identifiers: Orphanet 140922, MedGen C1837342, MONDO:0012127, OMIM 608807.

Submission:

Labcorp Genetics (formerly Invitae), Labcorp
Classification: Uncertain significance for Dilated cardiomyopathy 1G; Autosomal recessive limb-girdle muscular dystrophy type 2J. Last evaluated: 2023-11-27. Review status: criteria provided, single submitter. Criteria: Invitae Variant Classification Sherloc (09022015). Collection method: clinical testing. Allele origin: germline.
Comment: This sequence change replaces proline, which is neutral and non-polar, with threonine, which is neutral and polar, at codon 22744 of the TTN protein (p.Pro22744Thr). This variant is not present in population databases (gnomAD no frequency). This missense change has been observed in individual(s) with dilated cardiomyopathy (Invitae). Experimental studies and prediction algorithms are not available or were not evaluated, and the functional significance of this variant is currently unknown. This variant is located in the A band of TTN (PMID: 25589632). Variants in this region may be relevant for cardiac or neuromuscular disorders (PMID: 25589632, 23975875). In summary, the available evidence is currently insufficient to determine the role of this variant in disease. Therefore, it has been classified as a Variant of Uncertain Significance.

Literature cited by the submitters: PubMed 25589632; PubMed 23975875.

NM_001267550.2(TTN):c.68230C>A (p.Pro22744Thr)

Genes: TTN-AS1 (TTN antisense RNA 1; plus strand), TTN (titin; minus strand), LOC126806423 (CDK7 strongly-dependent group 2 enhancer GRCh37_chr2:179443309-179444508; plus strand). Cytogenetic location: 2q31.2.
Variant type: single nucleotide variant.
Coding change: c.68230C>A on transcript NM_001267550.2 (MANE Select); coding-DNA position 68230, C replaced by A.
Protein change: p.Pro22744Thr; replaces proline 22744 with threonine.
Molecular consequence: missense variant.
Genome position (GRCh38, 1-based): chr2:178,578,710, G>T on the plus strand (C>A on the coding strand, the complement: TTN is on the minus strand). VCF-style: chr2-178578710-G-T. GRCh37 (hg19) VCF-style: chr2-179443437-G-T.
Other names: c.63307C>A, p.Pro21103Thr (NM_001256850.1); c.41035C>A, p.Pro13679Thr (NM_003319.4); c.60526C>A, p.Pro20176Thr (NM_133378.4); c.41410C>A, p.Pro13804Thr (NM_133432.3); c.41611C>A, p.Pro13871Thr (NM_133437.4); short protein forms P13871T, P22744T, P21103T, P13679T, P13804T, P20176T.
Identifiers: ClinVar variation 2952076 (VCV002952076.3), dbSNP rs2468847588, ClinGen allele CA349673326.
Genomic context (GRCh38, chr2:178,578,710, plus strand): 5'-AAGTTAGAGATACTGAATCGTGTCTGACATCCACAATATTGGGAGGTGGGGGAGCATCAG[G>T]CACATCTAGAAAAAAGTAGATAATGCAAGATTTATAATAAGAAGCCTCCTCAAAACCGTG-3'
Protein context (NP_001254479.2, residues 22734-22754): PIVARHPFDV[Pro22744Thr]DAPPPPNIVD